The following is an entry in ClinVar:

NM_000256.3(MYBPC3):c.2240G>A (p.Gly747Asp)

Gene: MYBPC3 (myosin binding protein C3; minus strand). Cytogenetic location: 11p11.2.
Variant type: single nucleotide variant.
Coding change: c.2240G>A on transcript NM_000256.3 (MANE Select); coding-DNA position 2240, G replaced by A.
Protein change: p.Gly747Asp; replaces glycine 747 with aspartic acid.
Molecular consequence: missense variant.
Genome position (GRCh38, 1-based): chr11:47,338,588, C>T on the plus strand (G>A on the coding strand, the complement: MYBPC3 is on the minus strand). VCF-style: chr11-47338588-C-T. GRCh37 (hg19) VCF-style: chr11-47360139-C-T.
Other names: short protein forms G747D.
Identifiers: ClinVar variation 1008173 (VCV001008173.10), dbSNP rs2095884996, ClinGen allele CA380320287.

ClinVar aggregate classification (germline): Uncertain significance. Review status: criteria provided, multiple submitters, no conflicts (2 of 4 stars). 3 submissions from 3 submitters: Uncertain significance (3). Last evaluated 2024-05-07.

Conditions:
Hypertrophic cardiomyopathy. Also called: HYPERTROPHIC MYOCARDIOPATHY. Identifiers: Orphanet 217569, MedGen C0007194, MeSH D002312, MONDO:0005045, HP:0001639.
Cardiovascular phenotype. Identifiers: MedGen CN230736.

Submissions (3):

Labcorp Genetics (formerly Invitae), Labcorp
Classification: Uncertain significance for Hypertrophic cardiomyopathy. Last evaluated: 2024-05-07. Review status: criteria provided, single submitter. Criteria: Invitae Variant Classification Sherloc (09022015). Collection method: clinical testing. Allele origin: germline.
Comment: This sequence change replaces glycine, which is neutral and non-polar, with aspartic acid, which is acidic and polar, at codon 747 of the MYBPC3 protein (p.Gly747Asp). This variant is not present in population databases (gnomAD no frequency). This variant has not been reported in the literature in individuals affected with MYBPC3-related conditions. ClinVar contains an entry for this variant (Variation ID: 1008173). An algorithm developed to predict the effect of missense changes on protein structure and function (PolyPhen-2) suggests that this variant is likely to be disruptive. In summary, the available evidence is currently insufficient to determine the role of this variant in disease. Therefore, it has been classified as a Variant of Uncertain Significance.

Ambry Genetics
Classification: Uncertain significance for Cardiovascular phenotype. Last evaluated: 2024-05-02. Review status: criteria provided, single submitter. Criteria: Ambry Variant Classification Scheme 2023. Collection method: clinical testing. Allele origin: germline.
Comment: The p.G747D variant (also known as c.2240G>A), located in coding exon 23 of the MYBPC3 gene, results from a G to A substitution at nucleotide position 2240. The glycine at codon 747 is replaced by aspartic acid, an amino acid with similar properties. This amino acid position is conserved. In addition, this alteration is predicted to be deleterious by in silico analysis. Based on the available evidence, the clinical significance of this variant remains unclear.

All of Us Research Program, National Institutes of Health
Classification: Uncertain significance for Hypertrophic cardiomyopathy. Last evaluated: 2024-03-05. Review status: criteria provided, single submitter. Criteria: ACMG Guidelines, 2015. Collection method: clinical testing. Allele origin: germline. Inheritance: Autosomal dominant inheritance. Observed: 2 variant alleles, 2 heterozygotes.
Comment: This study involves interpretation of variants in research participants for the purpose of population health screening. Participant phenotype was not available at the time of variant classification. Additional details can be found in publication PMID: 35346344, PMCID: PMC8962531